The following is an entry in ClinVar:

NM_014927.5(CNKSR2):c.192A>G (p.Glu64=)

Gene: CNKSR2 (connector enhancer of kinase suppressor of Ras 2; plus strand). Cytogenetic location: Xp22.12.
Variant type: single nucleotide variant.
Coding change: c.192A>G on transcript NM_014927.5 (MANE Select); coding-DNA position 192, A replaced by G.
Protein change: p.Glu64=; no amino-acid change (glutamic acid 64 retained).
Molecular consequence: synonymous variant.
Genome position (GRCh38, 1-based): chrX:21,426,624, A>G. VCF-style: chrX-21426624-A-G. GRCh37 (hg19) VCF-style: chrX-21444742-A-G.
Other names: c.192A>G, p.Glu64= (NM_001168647.3, NM_001168648.3, NM_001168649.3 and 4 more transcripts); c.192A>G (NM_014927.4).
Identifiers: ClinVar variation 195303 (VCV000195303.14), dbSNP rs757776373, ClinGen allele CA241671.
Genomic context (GRCh38, chrX:21,426,624, plus strand): 5'-GCTGCGCATTACACATCAGGAGCTAGAAGATCTGGGGGTCAGCCGCATTGGCCATCAGGA[A>G]CTGATCTTGGAAGCAGTTGACCTTCTGTGTGCATTGGTAAGGACATAAAACTGGTGAAGA-3'
Protein context (NP_055742.2, residues 54-74): DLGVSRIGHQ[Glu64=]LILEAVDLLC

ClinVar aggregate classification (germline): Conflicting classifications of pathogenicity. Review status: criteria provided, conflicting classifications (1 of 4 stars). 4 submissions from 4 submitters: Uncertain significance (1); Likely benign (3). Last evaluated 2026-04-06.

Conditions:
CNKSR2-related disorder. Also called: CNKSR2-related condition.

Allele frequency attached by ClinVar (database versions not stated): gnomAD 0.00010 and 0.00011; ExAC 0.00003; gnomAD exomes 0.00003 and 0.00008; TOPMed 0.00006.
gnomAD v4.1: 100 of 1,204,710 alleles (0.0083%); highest among the groups gnomAD compares: Non-Finnish European, 0.011%; no homozygotes.

Submissions (4):

PreventionGenetics, part of Exact Sciences
Classification: Likely benign for CNKSR2-related condition. Last evaluated: 2026-04-06. Review status: criteria provided, single submitter. Criteria: ACMG Guidelines, 2015. Collection method: clinical testing. Allele origin: germline.
Comment: This variant is classified as likely benign based on ACMG/AMP sequence variant interpretation guidelines (Richards et al. 2015 PMID: 25741868, with internal and published modifications).

CeGaT Center for Human Genetics Tuebingen
Classification: Likely benign. Last evaluated: 2025-09-01. Review status: criteria provided, single submitter. Criteria: CeGaT Center For Human Genetics Tuebingen Variant Classification Criteria Version 2. Collection method: clinical testing. Allele origin: germline. Affected: yes. Observed: 1 variant allele.
Comment: CNKSR2: BP4, BP7, BS2

Blueprint Genetics
Classification: Likely benign. Last evaluated: 2024-04-08. Review status: criteria provided, single submitter. Criteria: ACMG Guidelines, 2015. Collection method: clinical testing. Allele origin: germline.

Eurofins Ntd Llc (ga)
Classification: Uncertain significance. Last evaluated: 2014-10-22. Review status: criteria provided, single submitter. Criteria: EGL Classification Definitions 2015. Collection method: clinical testing. Allele origin: germline. Observed: 1 variant allele, 1 hemizygote.